The following is an entry in ClinVar:

NM_001267550.2(TTN):c.11684G>A (p.Ser3895Asn)

Gene: TTN (titin; minus strand). Cytogenetic location: 2q31.2.
Variant type: single nucleotide variant.
Coding change: c.11684G>A on transcript NM_001267550.2 (MANE Select); coding-DNA position 11684, G replaced by A.
Protein change: p.Ser3895Asn; replaces serine 3895 with asparagine.
Molecular consequence: missense variant. On other transcripts: intron variant (1).
Genome position (GRCh38, 1-based): chr2:178,741,549, C>T on the plus strand (G>A on the coding strand, the complement: TTN is on the minus strand). VCF-style: chr2-178741549-C-T. GRCh37 (hg19) VCF-style: chr2-179606276-C-T.
Other names: c.11684G>A (NM_001267550.1); c.10733G>A, p.Ser3578Asn (NM_001256850.1); c.10595G>A, p.Ser3532Asn (NM_003319.4); c.10970G>A, p.Ser3657Asn (NM_133432.3); c.11171G>A, p.Ser3724Asn (NM_133437.4); c.10361-3189G>A (NM_133378.4); short protein forms S3895N, S3532N, S3657N, S3724N, S3578N.
Identifiers: ClinVar variation 466787 (VCV000466787.5), dbSNP rs769466475, ClinGen allele CA2002815.

ClinVar aggregate classification (germline): Uncertain significance. Review status: criteria provided, multiple submitters, no conflicts (2 of 4 stars). 3 submissions from 3 submitters: Uncertain significance (3). Last evaluated 2024-05-06.

Conditions:
Autosomal recessive limb-girdle muscular dystrophy type 2J (LGMDR10). Also called: Limb-girdle muscular dystrophy, type 2J; MUSCULAR DYSTROPHY, LIMB-GIRDLE, AUTOSOMAL RECESSIVE 10. Identifiers: Orphanet 140922, MedGen C1837342, MONDO:0012127, OMIM 608807.
Dilated cardiomyopathy 1G (CMD1G). Identifiers: Orphanet 154, MedGen C1858763, MONDO:0011400, OMIM 604145.
Myopathy, myofibrillar, 9, with early respiratory failure (MFM9). Also called: EDSTROM MYOPATHY; MYOPATHY, PROXIMAL, WITH EARLY RESPIRATORY MUSCLE INVOLVEMENT; Hereditary myopathy with early respiratory failure; Myopathy, distal, with early respiratory failure, autosomal dominant. Identifiers: Orphanet 178464, Orphanet 34521, MedGen C1863599, MONDO:0011362, OMIM 603689.
Hypertrophic cardiomyopathy 9. Also called: Familial hypertrophic cardiomyopathy 9. Identifiers: MedGen C1861065, MONDO:0013412, OMIM 613765.
Early-onset myopathy with fatal cardiomyopathy (CMYO5). Also called: Salih Myopathy; CONGENITAL MYOPATHY 5 WITH CARDIOMYOPATHY. Identifiers: Orphanet 289377, MedGen C2673677, MONDO:0012714, OMIM 611705. Disease mechanism: loss of function.
Tibial muscular dystrophy (TMD). Also called: UDD MYOPATHY; Tibial muscular dystrophy, tardive; Udd Distal Myopathy – Tibial Muscular Dystrophy. Identifiers: Orphanet 609, MedGen C1838244, MONDO:0010870, OMIM 600334.

Allele frequency attached by ClinVar (database versions not stated): gnomAD exomes below 0.00001; TOPMed below 0.00001; ExAC 0.00001; gnomAD 0.00001.
gnomAD v4.1: 46 of 1,613,738 alleles (0.0029%); highest among the groups gnomAD compares: Non-Finnish European, 0.0037%; no homozygotes.

Submissions (3):

GeneDx
Classification: Uncertain significance. Last evaluated: 2024-05-06. Review status: criteria provided, single submitter. Criteria: GeneDx Variant Classification Process June 2021. Collection method: clinical testing. Allele origin: germline. Affected: yes.
Comment: Not observed at significant frequency in large population cohorts (gnomAD); Missense variant in a gene in which most reported pathogenic variants are truncating/loss of function; Has not been previously published as pathogenic or benign to our knowledge; Located in a region of TTN within the I-band in which the majority of loss of function variants are significantly associated with autosomal dominant titinopathies (PMID: 27625338, 27869827)

Fulgent Genetics
Classification: Uncertain significance for Tibial muscular dystrophy; Myopathy, myofibrillar, 9, with early respiratory failure; Dilated cardiomyopathy 1G; Autosomal recessive limb-girdle muscular dystrophy type 2J; Early-onset myopathy with fatal cardiomyopathy; Hypertrophic cardiomyopathy 9. Last evaluated: 2021-08-27. Review status: criteria provided, single submitter. Criteria: ACMG Guidelines, 2015. Collection method: clinical testing. Allele origin: unknown.

Labcorp Genetics (formerly Invitae), Labcorp
Classification: Uncertain significance for Dilated cardiomyopathy 1G; Autosomal recessive limb-girdle muscular dystrophy type 2J. Last evaluated: 2017-12-21. Review status: criteria provided, single submitter. Criteria: Invitae Variant Classification Sherloc (09022015). Collection method: clinical testing. Allele origin: germline.